The following is an entry in ClinVar:

ClinVar aggregate classification (germline): Pathogenic (1 of 4 stars; one submission).

Conditions:
Fabry disease. Also called: ALPHA-GALACTOSIDASE A DEFICIENCY; ANDERSON-FABRY DISEASE; CERAMIDE TRIHEXOSIDASE DEFICIENCY; GLA DEFICIENCY; HEREDITARY DYSTOPIC LIPIDOSIS; Angiokeratoma corporis diffusum. Identifiers: Orphanet 324, MedGen C0002986, MONDO:0010526, OMIM 301500, HP:0001071. Disease mechanism: Fabry disease is due to inactivating mutations in the X-linked GLA gene resulting in deficiency of the enzyme Alpha Galactosidase-A., loss of function.

Submission:

Genomenon, Inc
Classification: Pathogenic for Fabry disease. Last evaluated: 2026-09-08. Review status: criteria provided, single submitter. Criteria: Genomenon Sequence Variant Interpretation Standards - Updated. Collection method: curation. Allele origin: germline. Affected: yes.
Comment: GLA p.Met51Lys (c.152T>A) is a missense variant that changes the amino acid at codon 51 from Methionine to Lysine. This variant has been observed in at least one proband with clinical features consistent with Fabry disease (PMID:27657681;11531969;11322659;30594474). At least one functional study has demonstrated a substantial alteration in protein function relative to the wild-type (PMID:32023956;23935525). This variant is located in a mutational hotspot and/or important functional domain. It is absent or not present at a significant frequency in gnomAD. In conclusion, we classify GLA p.Met51Lys (c.152T>A) as a pathogenic variant.

Literature cited by the submitters: PubMed 27657681; PubMed 11531969; PubMed 11322659; PubMed 30594474; PubMed 32023956; PubMed 23935525.

NM_000169.3(GLA):c.152T>A (p.Met51Lys)

Genes: GLA (galactosidase alpha; minus strand), RPL36A-HNRNPH2 (RPL36A-HNRNPH2 readthrough; plus strand). Cytogenetic location: Xq22.1.
Variant type: single nucleotide variant.
Coding change: c.152T>A on transcript NM_000169.3 (MANE Select); coding-DNA position 152, T replaced by A.
Protein change: p.Met51Lys; replaces methionine 51 with lysine.
Molecular consequence: missense variant. On other transcripts: non-coding transcript variant (3), intron variant (2).
Genome position (GRCh38, 1-based): chrX:101,407,752, A>T on the plus strand (T>A on the coding strand, the complement: GLA is on the minus strand). VCF-style: chrX-101407752-A-T. GRCh37 (hg19) VCF-style: chrX-100662740-A-T.
Other names: c.152T>A, p.Met51Lys (NM_001406747.1, NM_001406748.1, NM_001406749.1); c.301-4184A>T (NM_001199973.2); c.178-4184A>T (NM_001199974.2); short protein forms M51K.
Identifiers: ClinVar variation 4087277 (VCV004087277.2).
Genomic context (GRCh38, chrX:101,407,752, plus strand): 5'-GTACCCAATATCTGATACCTGATGCAGGAATCTGGCTCTTCCTGGCAGTCAAGGTTGCAC[A>T]TGAAGCGCTCCCAGTGCAGCCAGCCCATGGTAGGCGTCCTTGCCAATCCATTGTCCAGTG-3'
Protein context (NP_000160.1, residues 41-61): TMGWLHWERF[Met51Lys]CNLDCQEEPD